The following is an entry in ClinVar:

ClinVar aggregate classification (germline): Pathogenic. Review status: criteria provided, multiple submitters, no conflicts (2 of 4 stars). 2 submissions from 2 submitters: Pathogenic (2). Last evaluated 2023-09-13.

Conditions:
Hereditary cancer-predisposing syndrome. Also called: Tumor predisposition; Hereditary Cancer Syndrome; Neoplastic Syndromes, Hereditary; Hereditary neoplastic syndrome. Identifiers: Orphanet 140162, MedGen C0027672, MeSH D009386, MONDO:0015356.
Familial cancer of breast. Also called: Hereditary breast cancer; BREAST CANCER, FAMILIAL; hereditary breast carcinoma. Identifiers: Orphanet 227535, MedGen C0346153, MONDO:0016419, OMIM 114480. Disease mechanism: loss of function.

Submissions (2):

Myriad Genetics, Inc.
Classification: Pathogenic for Familial cancer of breast. Last evaluated: 2023-09-13. Review status: criteria provided, single submitter. Criteria: Myriad Autosomal Dominant, Autosomal Recessive and X-Linked Classification Criteria (2023). Collection method: clinical testing. Allele origin: unknown.
Comment: This variant is considered pathogenic. This variant creates a frameshift predicted to result in premature protein truncation.

Ambry Genetics
Classification: Pathogenic for Hereditary cancer-predisposing syndrome. Last evaluated: 2020-07-02. Review status: criteria provided, single submitter. Criteria: Ambry Variant Classification Scheme 2023. Collection method: clinical testing. Allele origin: germline.
Comment: The c.2815_2822delTTGGAAAT pathogenic mutation, located in coding exon 8 of the PALB2 gene, results from a deletion of 8 nucleotides at nucleotide positions 2815 to 2822, causing a translational frameshift with a predicted alternate stop codon (p.L939Qfs*11). This alteration is expected to result in loss of function by premature protein truncation or nonsense-mediated mRNA decay. As such, this alteration is interpreted as a disease-causing mutation.

NM_024675.4(PALB2):c.2815_2822del (p.Leu939fs)

Gene: PALB2 (partner and localizer of BRCA2; minus strand). Cytogenetic location: 16p12.2.
Variant type: Deletion.
Coding change: c.2815_2822del on transcript NM_024675.4 (MANE Select); coding-DNA positions 2815 to 2822, 8 bases deleted (TTGGAAAT; older notation c.2815_2822delTTGGAAAT).
Protein change: p.Leu939fs; shifts the reading frame from leucine 939.
Molecular consequence: frameshift variant.
Genome position (GRCh38, 1-based): chr16:23,624,021-23,624,028, ATTTCCAA deleted on the plus strand (TTGGAAAT on the coding strand, the reverse complement: PALB2 is on the minus strand); deleting any 8 consecutive bases within chr16:23,624,021-23,624,034 gives the same sequence; the c. name uses the placement nearest the transcript's 3' end. VCF-style (leftmost placement, unchanged base first): chr16-23624020-GATTTCCAA-G. GRCh37 (hg19) VCF-style: chr16-23635341-GATTTCCAA-G.
Other names: c.2749_2756delGGAAATTT, p.Leu919Glnfs (NM_001407296.1); c.2737_2744delGGAAATTT, p.Leu915Glnfs (NM_001407297.1); c.2647_2654delGGAAATTT, p.Leu885Glnfs (NM_001407298.1, NM_001407302.1); c.2809_2816delGGAAATTT, p.Leu939Glnfs (NM_001407299.1, NM_001407300.1, NM_001407301.1); c.1924_1931delGGAAATTT, p.Leu644Glnfs (NM_001407304.1, NM_001407305.1, NM_001407306.1 and 4 more transcripts); c.1762_1769delGGAAATTT, p.Leu590Glnfs (NM_001407307.1); c.1021_1028delGGAAATTT, p.Leu343Glnfs (NM_001407312.1, NM_001407313.1); c.343_350delGGAAATTT, p.Leu117Glnfs (NM_001407314.1); and 1 more; short protein forms L939fs.
Identifiers: ClinVar variation 1796368 (VCV001796368.3), dbSNP rs2506348737, ClinGen allele CA2580091252.
Genomic context (GRCh38, chr16:23,624,020, plus strand): 5'-CAGAGACAAAGATGAAGGAAAAACAAATCACTCCTTGGGAATTACATACCTGATCTCTCT[GATTTCCAA>G]ATTTCCCAAAGCTACACACACGAGATTATACACATCAGGCACTGGAACTATCTGTAATAC-3'